The following is an entry in ClinVar:

ClinVar aggregate classification (germline): Pathogenic, low penetrance. Review status: criteria provided, single submitter (1 of 4 stars). 2 submissions from 2 submitters: Pathogenic, low penetrance (1). 1 of the submissions does not count toward it. Last evaluated 2025-10-02.

Conditions:
Atypical hemolytic-uremic syndrome. Identifiers: Orphanet 2134, MedGen C2931788, MONDO:0016244.

Submissions (2):

Genomenon, Inc
Classification: Pathogenic, low penetrance for Atypical hemolytic-uremic syndrome. Last evaluated: 2025-10-02. Review status: criteria provided, single submitter. Criteria: Genomenon Sequence Variant Interpretation Standards - Updated. Collection method: curation. Allele origin: germline. Affected: yes.
Comment: CFH p.Ser1133Ter (c.3398C>G) is a nonsense variant that introduces a premature stop codon at amino acid position 1133, creating a truncated protein that is predicted to undergo nonsense-mediated mRNA decay. This variant has been observed in at least one proband affected with atypical hemolytic-uremic syndrome (PMID:27268256). It is absent or not present at a significant frequency in gnomAD. In conclusion, we classify CFH p.Ser1133Ter (c.3398C>G) as a pathogenic, low penetrance variant.

Sydney Genome Diagnostics, Children's Hospital Westmead
Classification: Pathogenic for Atypical hemolytic-uremic syndrome. Last evaluated: 2019-01-22. Review status: no assertion criteria provided. Collection method: clinical testing. Allele origin: unknown. Affected: yes. Observed: 1 variant allele, 1 heterozygote. Not counted in ClinVar's aggregate classification.
Comment: This variant creates a premature stop codon p.(Ser1133*) and may result in a null allele due to nonsense-mediated mRNA decay. This variant has not been reported in any population databases (i.e. ExAC, ESP or dbSNP). This variant has been reported in the database of complement gene variants in a patient with aHUS and other truncating variants downstream of this amino acid have been described . This variant is considered to be pathogenic according to the ACMG guidelines. (Evidence used: PVS1, PM2, PP5)

Literature cited by the submitters: PubMed 27268256 (cited by Genomenon, Inc).

NM_000186.4(CFH):c.3398C>G (p.Ser1133Ter)

Gene: CFH (complement factor H; plus strand). Cytogenetic location: 1q31.3.
Variant type: single nucleotide variant.
Coding change: c.3398C>G on transcript NM_000186.4 (MANE Select); coding-DNA position 3398, C replaced by G.
Protein change: p.Ser1133Ter; replaces serine 1133 with a stop codon.
Molecular consequence: nonsense.
Genome position (GRCh38, 1-based): chr1:196,745,904, C>G. VCF-style: chr1-196745904-C-G. GRCh37 (hg19) VCF-style: chr1-196715034-C-G.
Other names: short protein forms S1133*.
Identifiers: ClinVar variation 988221 (VCV000988221.2), dbSNP rs1652987369, ClinGen allele CA343985529.